The following is an entry in ClinVar:

ClinVar aggregate classification (germline): Uncertain significance. Review status: criteria provided, multiple submitters, no conflicts (2 of 4 stars). 2 submissions from 2 submitters: Uncertain significance (2). Last evaluated 2021-11-18.

Conditions:
Hereditary cancer-predisposing syndrome. Also called: Tumor predisposition; Neoplastic Syndromes, Hereditary; Hereditary Cancer Syndrome; Hereditary neoplastic syndrome. Identifiers: Orphanet 140162, MedGen C0027672, MeSH D009386, MONDO:0015356.
Ataxia-telangiectasia syndrome (AT). Also called: ATAXIA-TELANGIECTASIA, FRESNO VARIANT; Ataxia-telangiectasia, complementation group D; AT, COMPLEMENTATION GROUP C; Ataxia-telangiectasia; Ataxia-telangiectasia, complementation group E; Ataxia telangiectasia (A-T). Identifiers: Orphanet 100, MedGen C0004135, MONDO:0008840, OMIM 208900.

Submissions (2):

Ambry Genetics
Classification: Uncertain significance for Hereditary cancer-predisposing syndrome. Last evaluated: 2021-11-18. Review status: criteria provided, single submitter. Criteria: Ambry Variant Classification Scheme 2023. Collection method: clinical testing. Allele origin: germline.
Comment: The p.L1154S variant (also known as c.3461T>C), located in coding exon 23 of the ATM gene, results from a T to C substitution at nucleotide position 3461. The leucine at codon 1154 is replaced by serine, an amino acid with dissimilar properties. This amino acid position is conserved. In addition, this alteration is predicted to be deleterious by in silico analysis. Since supporting evidence is limited at this time, the clinical significance of this alteration remains unclear.

Labcorp Genetics (formerly Invitae), Labcorp
Classification: Uncertain significance for Ataxia-telangiectasia syndrome. Last evaluated: 2020-02-27. Review status: criteria provided, single submitter. Criteria: Invitae Variant Classification Sherloc (09022015). Collection method: clinical testing. Allele origin: germline.
Comment: In summary, the available evidence is currently insufficient to determine the role of this variant in disease. Therefore, it has been classified as a Variant of Uncertain Significance. Algorithms developed to predict the effect of missense changes on protein structure and function are either unavailable or do not agree on the potential impact of this missense change (SIFT: "Deleterious"; PolyPhen-2: "Benign"; Align-GVGD: "Class C55"). This variant has not been reported in the literature in individuals with ATM-related conditions. This variant is not present in population databases (ExAC no frequency). This sequence change replaces leucine with serine at codon 1154 of the ATM protein (p.Leu1154Ser). The leucine residue is highly conserved and there is a large physicochemical difference between leucine and serine.

NM_000051.4(ATM):c.3461T>C (p.Leu1154Ser)

Gene: ATM (ATM serine/threonine kinase; plus strand). Cytogenetic location: 11q22.3.
Variant type: single nucleotide variant.
Coding change: c.3461T>C on transcript NM_000051.4 (MANE Select); coding-DNA position 3461, T replaced by C.
Protein change: p.Leu1154Ser; replaces leucine 1154 with serine.
Molecular consequence: missense variant.
Genome position (GRCh38, 1-based): chr11:108,281,053, T>C. VCF-style: chr11-108281053-T-C. GRCh37 (hg19) VCF-style: chr11-108151780-T-C.
Other names: c.3461T>C, p.Leu1154Ser (NM_001351834.2); short protein forms L1154S.
Identifiers: ClinVar variation 1059435 (VCV001059435.11), dbSNP rs2135666960, ClinGen allele CA382519411.